The following is an entry in ClinVar:

NM_000044.6(AR):c.1350TGG[3] (p.Gly473del)

Gene: AR (androgen receptor; plus strand). Cytogenetic location: Xq12.
Variant type: Microsatellite.
Coding change: c.1350TGG[3] on transcript NM_000044.6 (MANE Select); three copies in a row of the 3-base unit TGG starting at c.1350; the reference has four copies in a row; one copy, 3 bases deleted.
Protein change: p.Gly473del; deletes glycine 473.
Molecular consequence: 5 prime UTR variant (on NM_001011645.3). On other transcripts: inframe indel (1).
Genome position (GRCh38, 1-based): chrX:67,546,505-67,546,507, TGG deleted; deleting any 3 consecutive bases within chrX:67,546,495-67,546,507 gives the same sequence; the position shown is the placement nearest the transcript's 3' end. VCF-style (leftmost placement, unchanged base first): chrX-67546494-TGTG-T. GRCh37 (hg19) VCF-style: chrX-66766336-TGTG-T.
Other names: c.-434TGG[3] (NM_001011645.3); c.1350TGG[3], p.Gly473del (NM_001348061.1, NM_001348063.1, NM_001348064.1); c.1350_1352TGG[3], p.Gly474del (NM_001424175.1); short protein forms G473del, G474del.
Identifiers: ClinVar variation 3043903 (VCV003043903.2), dbSNP rs752570661, ClinGen allele CA10436418.

ClinVar aggregate classification (germline): Likely benign (0 of 4 stars; one submission).

Conditions:
AR-related disorder. Also called: AR-related condition.

Submission:

PreventionGenetics, part of Exact Sciences
Classification: Likely benign for AR-related condition. Last evaluated: 2021-01-05. Review status: no assertion criteria provided. Collection method: clinical testing. Allele origin: germline.
Comment: This variant is classified as likely benign based on ACMG/AMP sequence variant interpretation guidelines (Richards et al. 2015 PMID: 25741868, with internal and published modifications).